The following is an entry in ClinVar:

NM_001134831.2(AHI1):c.2092T>A (p.Ser698Thr)

Gene: AHI1 (Abelson helper integration site 1; minus strand). Cytogenetic location: 6q23.3.
Variant type: single nucleotide variant.
Coding change: c.2092T>A on transcript NM_001134831.2 (MANE Select); coding-DNA position 2092, T replaced by A.
Protein change: p.Ser698Thr; replaces serine 698 with threonine.
Molecular consequence: missense variant.
Genome position (GRCh38, 1-based): chr6:135,433,201, A>T on the plus strand (T>A on the coding strand, the complement: AHI1 is on the minus strand). VCF-style: chr6-135433201-A-T. GRCh37 (hg19) VCF-style: chr6-135754339-A-T.
Other names: c.2092T>A, p.Ser698Thr (NM_001134830.2, NM_001134832.2, NM_001350503.2 and 2 more transcripts); short protein forms S698T.
Identifiers: ClinVar variation 1522715 (VCV001522715.8), dbSNP rs2128022901, ClinGen allele CA365743726.

ClinVar aggregate classification (germline): Uncertain significance (1 of 4 stars; one submission).

Conditions:
Joubert syndrome. Also called: CEREBELLOPARENCHYMAL DISORDER IV; JOUBERT-BOLTSHAUSER SYNDROME; Familial aplasia of the vermis. Identifiers: Orphanet 475, MedGen C5979921, MONDO:0018772.

Submission:

Labcorp Genetics (formerly Invitae), Labcorp
Classification: Uncertain significance for Joubert syndrome. Last evaluated: 2020-12-30. Review status: criteria provided, single submitter. Criteria: Invitae Variant Classification Sherloc (09022015). Collection method: clinical testing. Allele origin: germline.
Comment: In summary, the available evidence is currently insufficient to determine the role of this variant in disease. Therefore, it has been classified as a Variant of Uncertain Significance. Advanced modeling of protein sequence and biophysical properties (such as structural, functional, and spatial information, amino acid conservation, physicochemical variation, residue mobility, and thermodynamic stability) performed at Invitae indicates that this missense variant is not expected to disrupt AHI1 protein function. This variant has not been reported in the literature in individuals with AHI1-related conditions. This variant is not present in population databases (ExAC no frequency). This sequence change replaces serine with threonine at codon 698 of the AHI1 protein (p.Ser698Thr). The serine residue is highly conserved and there is a small physicochemical difference between serine and threonine.